The following is an entry in ClinVar:

NM_001365276.2(TNXB):c.9970C>A (p.Arg3324Ser)

Gene: TNXB (tenascin XB; minus strand). Cytogenetic location: 6p21.33.
Variant type: single nucleotide variant.
Coding change: c.9970C>A on transcript NM_001365276.2 (MANE Select); coding-DNA position 9970, C replaced by A.
Protein change: p.Arg3324Ser; replaces arginine 3324 with serine.
Molecular consequence: missense variant.
Genome position (GRCh38, 1-based): chr6:32,048,438, G>T on the plus strand (C>A on the coding strand, the complement: TNXB is on the minus strand). VCF-style: chr6-32048438-G-T. GRCh37 (hg19) VCF-style: chr6-32016215-G-T.
Other names: c.9964C>A, p.Arg3322Ser (NM_019105.8); short protein forms R3324S, R3322S.
Identifiers: ClinVar variation 2565770 (VCV002565770.2), dbSNP rs768943895, ClinGen allele CA363533647.

ClinVar aggregate classification (germline): Uncertain significance (1 of 4 stars; one submission).

Conditions:
Cardiovascular phenotype. Identifiers: MedGen CN230736.

Submission:

Ambry Genetics
Classification: Uncertain significance for Cardiovascular phenotype. Last evaluated: 2023-06-11. Review status: criteria provided, single submitter. Criteria: Ambry Variant Classification Scheme 2023. Collection method: clinical testing. Allele origin: germline.
Comment: The p.R3322S variant (also known as c.9964C>A), located in coding exon 28 of the TNXB gene, results from a C to A substitution at nucleotide position 9964. The arginine at codon 3322 is replaced by serine, an amino acid with dissimilar properties. This amino acid position is conserved. In addition, this alteration is predicted to be tolerated by in silico analysis. Since supporting evidence is limited at this time, the clinical significance of this alteration remains unclear.